The following is an entry in ClinVar:

NM_002063.4(GLRA2):c.125T>C (p.Leu42Pro)

Gene: GLRA2 (glycine receptor alpha 2; plus strand). Cytogenetic location: Xp22.2.
Variant type: single nucleotide variant.
Coding change: c.125T>C on transcript NM_002063.4 (MANE Select); coding-DNA position 125, T replaced by C.
Protein change: p.Leu42Pro; replaces leucine 42 with proline.
Molecular consequence: missense variant. On other transcripts: 5 prime UTR variant (1).
Genome position (GRCh38, 1-based): chrX:14,532,295, T>C. VCF-style: chrX-14532295-T-C. GRCh37 (hg19) VCF-style: chrX-14550417-T-C.
Other names: c.125T>C, p.Leu42Pro (NM_001118885.2, NM_001118886.2); c.-103T>C (NM_001171942.2); short protein forms L42P.
Identifiers: ClinVar variation 5010112 (VCV005010112.1).
Genomic context (GRCh38, chrX:14,532,295, plus strand): 5'-TTAGGACGGCTTTCTGCAAAGACCATGACTCCAGGTCTGGAAAACAACCTTCACAGACCC[T>C]ATCTCCTTCAGATTTCTTGGACAAGTTAATGGGAAGGACATCAGGATATGATGCAAGAAT-3'
Protein context (NP_002054.1, residues 32-52): SRSGKQPSQT[Leu42Pro]SPSDFLDKLM

ClinVar aggregate classification (germline): Uncertain significance (1 of 4 stars; one submission).

Submission:

GeneDx
Classification: Uncertain significance. Last evaluated: 2026-03-10. Review status: criteria provided, single submitter. Criteria: GeneDx Variant Classification Process June 2021. Collection method: clinical testing. Allele origin: germline.
Comment: Not observed at significant frequency in large population cohorts (gnomAD); In silico analysis suggests that this missense variant does not alter protein structure/function; Has not been previously published as pathogenic or benign to our knowledge